The following is an entry in ClinVar:

NM_001042492.3(NF1):c.2837A>G (p.Asp946Gly)

Gene: NF1 (neurofibromin 1; plus strand). Cytogenetic location: 17q11.2.
Variant type: single nucleotide variant.
Coding change: c.2837A>G on transcript NM_001042492.3 (MANE Select); coding-DNA position 2837, A replaced by G.
Protein change: p.Asp946Gly; replaces aspartic acid 946 with glycine.
Molecular consequence: missense variant.
Genome position (GRCh38, 1-based): chr17:31,229,452, A>G. VCF-style: chr17-31229452-A-G. GRCh37 (hg19) VCF-style: chr17-29556470-A-G.
Other names: c.2837A>G, p.Asp946Gly (NM_000267.4); short protein forms D946G.
Identifiers: ClinVar variation 852362 (VCV000852362.6), dbSNP rs2067074650, ClinGen allele CA398985852.

ClinVar aggregate classification (germline): Uncertain significance (1 of 4 stars; one submission).

Conditions:
Neurofibromatosis, type 1 (NF1). Also called: Neurofibromatosis, type I; VON RECKLINGHAUSEN DISEASE; Peripheral type neurofibromatosis; NEUROFIBROMATOSIS, TYPE I, SOMATIC. Identifiers: Orphanet 636, MedGen C0027831, MONDO:0018975, OMIM 162200. Disease mechanism: loss of function.

Submission:

Labcorp Genetics (formerly Invitae), Labcorp
Classification: Uncertain significance for Neurofibromatosis, type 1. Last evaluated: 2019-01-03. Review status: criteria provided, single submitter. Criteria: Invitae Variant Classification Sherloc (09022015). Collection method: clinical testing. Allele origin: germline.
Comment: This sequence change replaces aspartic acid with glycine at codon 946 of the NF1 protein (p.Asp946Gly). The aspartic acid residue is moderately conserved and there is a moderate physicochemical difference between aspartic acid and glycine. This variant is not present in population databases (ExAC no frequency). This variant has not been reported in the literature in individuals with NF1-related conditions. Algorithms developed to predict the effect of missense changes on protein structure and function are either unavailable or do not agree on the potential impact of this missense change (SIFT: "Tolerated"; PolyPhen-2: "Probably Damaging"; Align-GVGD: "Class C0"). In summary, the available evidence is currently insufficient to determine the role of this variant in disease. Therefore, it has been classified as a Variant of Uncertain Significance.